The following is an entry in ClinVar:

ClinVar aggregate classification (germline): Uncertain significance (1 of 4 stars; one submission).

gnomAD v4.1: 1 of 1,572,202 alleles (0.000064%); highest among the groups gnomAD compares: East Asian, 0.0023%; no homozygotes.

Submission:

Women's Health and Genetics/Laboratory Corporation of America, LabCorp
Classification: Uncertain significance. Last evaluated: 2026-01-19. Review status: criteria provided, single submitter. Criteria: LabCorp Variant Classification Summary - May 2015. Collection method: clinical testing. Allele origin: germline.
Comment: Variant summary: CACNA1E c.1280C>T (p.Ser427Phe) results in a non-conservative amino acid change in the encoded protein sequence. Algorithms developed to predict the effect of missense changes on protein structure and function all suggest that this variant is likely to be disruptive. The frequency data for this variant in gnomAD is considered unreliable, as metrics indicate poor data quality at this position. To our knowledge, no occurrence of c.1280C>T in individuals affected with CACNA1E-related conditions and no experimental evidence demonstrating its impact on protein function have been reported. No submitters have cited clinical-significance assessments for this variant to ClinVar. Based on the evidence outlined above, the variant was classified as uncertain significance.

NM_001205293.3(CACNA1E):c.1280C>T (p.Ser427Phe)

Gene: CACNA1E (calcium voltage-gated channel subunit alpha1 E; plus strand). Cytogenetic location: 1q25.3.
Variant type: single nucleotide variant.
Coding change: c.1280C>T on transcript NM_001205293.3 (MANE Select); coding-DNA position 1280, C replaced by T.
Protein change: p.Ser427Phe; replaces serine 427 with phenylalanine.
Molecular consequence: missense variant.
Genome position (GRCh38, 1-based): chr1:181,716,094, C>T. VCF-style: chr1-181716094-C-T. GRCh37 (hg19) VCF-style: chr1-181685230-C-T.
Other names: c.1280C>T, p.Ser427Phe (NM_000721.4, NM_001205294.2); short protein forms S427F.
Identifiers: ClinVar variation 4689300 (VCV004689300.1).
Genomic context (GRCh38, chr1:181,716,094, plus strand): 5'-ATGCAGTGCTTCGAAGGGCAACCATCAAGAGGAGCCGGACAGAGGCCATGACTCGAGACT[C>T]CAGTGATGAGCACTGTGTTGATATCTCCTCTGTGGGTGAGTGGATCCAGTTAGATCTTTT-3'
Protein context (NP_001192222.1, residues 417-437): RSRTEAMTRD[Ser427Phe]SDEHCVDISS